The following is an entry in ClinVar:

ClinVar aggregate classification (germline): Benign/Likely benign. Review status: criteria provided, multiple submitters, no conflicts (2 of 4 stars). 8 submissions from 8 submitters: Benign (4); Likely benign (4). Last evaluated 2026-03-13.

Conditions:
Autosomal dominant childhood-onset proximal spinal muscular atrophy with contractures (SMALED2A). Also called: SPINAL MUSCULAR ATROPHY, LOWER EXTREMITY-PREDOMINANT, 2A, CHILDHOOD ONSET, AUTOSOMAL DOMINANT; Spinal muscular atrophy, lower extremity-predominant, 2A, autosomal dominant. Identifiers: Orphanet 363447, Orphanet 363454, MedGen C4747715, MONDO:0014121, OMIM 615290.
Inborn genetic diseases. Identifiers: MedGen C0950123, MeSH D030342.

Allele frequency attached by ClinVar (database versions not stated): 1000 Genomes Project 30x 0.00031; TOPMed 0.00036; 1000 Genomes Project 0.00040; ESP Exome Variant Server 0.00046; gnomAD 0.00059 and 0.00061; gnomAD exomes 0.00063 and 0.00065; ExAC 0.00067.
gnomAD v4.1: 1,030 of 1,612,950 alleles (0.064%); highest among the groups gnomAD compares: Non-Finnish European, 0.069%; 1 homozygote.

Submissions (8):

Women's Health and Genetics/Laboratory Corporation of America, LabCorp
Classification: Benign. Last evaluated: 2026-03-13. Review status: criteria provided, single submitter. Criteria: LabCorp Variant Classification Summary - May 2015. Collection method: clinical testing. Allele origin: germline.

Labcorp Genetics (formerly Invitae), Labcorp
Classification: Benign for Autosomal dominant childhood-onset proximal spinal muscular atrophy with contractures. Last evaluated: 2026-01-24. Review status: criteria provided, single submitter. Criteria: Invitae Variant Classification Sherloc (09022015). Collection method: clinical testing. Allele origin: germline.

ARUP Laboratories, Molecular Genetics and Genomics, ARUP Laboratories
Classification: Benign. Last evaluated: 2024-12-31. Review status: criteria provided, single submitter. Criteria: ARUP Molecular Germline Variant Investigation Process 2024. Collection method: clinical testing. Allele origin: germline.

Blueprint Genetics
Classification: Likely benign. Last evaluated: 2024-11-27. Review status: criteria provided, single submitter. Criteria: ACMG Guidelines, 2015. Collection method: clinical testing. Allele origin: germline.

CeGaT Center for Human Genetics Tuebingen
Classification: Likely benign. Last evaluated: 2022-11-01. Review status: criteria provided, single submitter. Criteria: CeGaT Center For Human Genetics Tuebingen Variant Classification Criteria Version 2. Collection method: clinical testing. Allele origin: germline. Affected: yes. Observed: 2 variant alleles.
Comment: BICD2: BP4, BP7

GeneDx
Classification: Benign. Last evaluated: 2020-04-13. Review status: criteria provided, single submitter. Criteria: GeneDx Variant Classification Process June 2021. Collection method: clinical testing. Allele origin: germline. Affected: yes.

Ambry Genetics
Classification: Likely benign for Inborn genetic diseases. Last evaluated: 2019-07-11. Review status: criteria provided, single submitter. Criteria: Ambry Variant Classification Scheme 2023. Collection method: clinical testing. Allele origin: germline.

Breakthrough Genomics
Classification: Likely benign. Review status: criteria provided, single submitter. Criteria: ACMG Guidelines, 2015. Collection method: not provided. Allele origin: germline. Inheritance: Autosomal dominant inheritance. Affected: yes.

NM_001003800.2(BICD2):c.2397C>T (p.Leu799=)

Gene: BICD2 (BICD cargo adaptor 2; minus strand). Cytogenetic location: 9q22.31.
Variant type: single nucleotide variant.
Coding change: c.2397C>T on transcript NM_001003800.2 (MANE Select); coding-DNA position 2397, C replaced by T.
Protein change: p.Leu799=; no amino-acid change (leucine 799 retained).
Molecular consequence: synonymous variant.
Genome position (GRCh38, 1-based): chr9:92,715,325, G>A on the plus strand (C>T on the coding strand, the complement: BICD2 is on the minus strand). VCF-style: chr9-92715325-G-A. GRCh37 (hg19) VCF-style: chr9-95477607-G-A.
Other names: c.2397C>T, p.Leu799= (NM_015250.4).
Identifiers: ClinVar variation 474273 (VCV000474273.52), dbSNP rs151133287, ClinGen allele CA5126312.
Genomic context (GRCh38, chr9:92,715,325, plus strand): 5'-TGGCTTGGTCTTCGGGGCGGCTTTGGCACGGCCACGCCGGGTCTGCTCATGGTCCAGCTC[G>A]AGCAGCTCCAGCCGCTGGGTCAGCGCCAGCTTCTGCTGGATGGCCATGCGCAGCAGCGAG-3'
Protein context (NP_001003800.1, residues 789-809): KLALTQRLEL[Leu799=]ELDHEQTRRG